The following is an entry in ClinVar:

NM_001042517.2(DIAPH3):c.249C>T (p.Ser83=)

Gene: DIAPH3 (diaphanous related formin 3; minus strand). Cytogenetic location: 13q21.2.
Variant type: single nucleotide variant.
Coding change: c.249C>T on transcript NM_001042517.2 (MANE Select); coding-DNA position 249, C replaced by T.
Protein change: p.Ser83=; no amino-acid change (serine 83 retained).
Molecular consequence: synonymous variant. On other transcripts: intron variant (1).
Genome position (GRCh38, 1-based): chr13:60,112,151, G>A on the plus strand (C>T on the coding strand, the complement: DIAPH3 is on the minus strand). VCF-style: chr13-60112151-G-A. GRCh37 (hg19) VCF-style: chr13-60686285-G-A.
Other names: c.216C>T, p.Ser72= (NM_001258366.2, NM_001258367.2); c.249C>T, p.Ser83= (NM_001258369.2); c.181-18419C>T (NM_001258368.2).
Identifiers: ClinVar variation 1213055 (VCV001213055.6), dbSNP rs574208263, ClinGen allele CA6997044.
Genomic context (GRCh38, chr13:60,112,151, plus strand): 5'-TGAGCAATCACTGCTTGCAAATGCAGTCTTCAGGTTGGGAAGTGGAGGTCTCTCTTTCTT[G>A]CTCCCTGGAATTCTTATGCTGGCAAATTTGTCCAGCTACAAAGAAAGACAGAATGACACA-3'
Protein context (NP_001035982.1, residues 73-93): DKFASIRIPG[Ser83=]KKERPPLPNL

ClinVar aggregate classification (germline): Likely benign. Review status: criteria provided, multiple submitters, no conflicts (2 of 4 stars). 3 submissions from 3 submitters: Likely benign (3). Last evaluated 2025-03-17.

Conditions:
DIAPH3-related disorder. Also called: DIAPH3-related condition.

Allele frequency attached by ClinVar (database versions not stated): gnomAD exomes below 0.00001; ExAC 0.00001; gnomAD 0.00001; TOPMed 0.00001; 1000 Genomes Project 30x 0.00016; 1000 Genomes Project 0.00020.
gnomAD v4.1: 5 of 1,614,026 alleles (0.00031%); highest among the groups gnomAD compares: Admixed American, 0.0067%; no homozygotes.

Submissions (3):

PreventionGenetics, part of Exact Sciences
Classification: Likely benign for DIAPH3-related condition. Last evaluated: 2025-03-17. Review status: criteria provided, single submitter. Criteria: ACMG Guidelines, 2015. Collection method: clinical testing. Allele origin: germline.
Comment: This variant is classified as likely benign based on ACMG/AMP sequence variant interpretation guidelines (Richards et al. 2015 PMID: 25741868, with internal and published modifications).

Labcorp Genetics (formerly Invitae), Labcorp
Classification: Likely benign. Last evaluated: 2024-08-08. Review status: criteria provided, single submitter. Criteria: Invitae Variant Classification Sherloc (09022015). Collection method: clinical testing. Allele origin: germline.

GeneDx
Classification: Likely benign. Last evaluated: 2021-05-26. Review status: criteria provided, single submitter. Criteria: GeneDx Variant Classification Process June 2021. Collection method: clinical testing. Allele origin: germline. Affected: yes.